The following is an entry in ClinVar:

NM_001008537.3(NEXMIF):c.2816del (p.Asn939fs)

Gene: NEXMIF (neurite extension and migration factor; minus strand). Cytogenetic location: Xq13.3.
Variant type: Deletion.
Coding change: c.2816del on transcript NM_001008537.3 (MANE Select); coding-DNA position 2816, one base deleted (A; older notation c.2816delA).
Protein change: p.Asn939fs; shifts the reading frame from asparagine 939.
Molecular consequence: frameshift variant.
Genome position (GRCh38, 1-based): chrX:74,741,741, T deleted on the plus strand (A on the coding strand, the reverse complement: NEXMIF is on the minus strand); the first of 2 consecutive T bases (chrX:74,741,741-74,741,742); deleting either gives the same sequence. VCF-style (leftmost placement, unchanged base first): chrX-74741740-AT-A. GRCh37 (hg19) VCF-style: chrX-73961575-AT-A.
Other names: short protein forms N939fs.
Identifiers: ClinVar variation 1074733 (VCV001074733.7), dbSNP rs2147439932, ClinGen allele CA2499226851.
Genomic context (GRCh38, chrX:74,741,740, plus strand): 5'-TGGGAGTTGGGTATCTTGCATGGAGTCATACAGGACCTTGTTGCAATTACTGCCACCACT[AT>A]TGAGACAGATTGGATTGTATGTTGTAGGTGTGAGGTTATTTTCCATGGAGACTACTTGGG-3'

ClinVar aggregate classification (germline): Pathogenic (1 of 4 stars; one submission).

Submission:

Labcorp Genetics (formerly Invitae), Labcorp
Classification: Pathogenic. Last evaluated: 2020-02-12. Review status: criteria provided, single submitter. Criteria: Invitae Variant Classification Sherloc (09022015). Collection method: clinical testing. Allele origin: germline.
Comment: This sequence change creates a premature translational stop signal (p.Asn939Ilefs*71) in the NEXMIF gene. It is expected to result in an absent or disrupted protein product. This variant is not present in population databases (ExAC no frequency). This variant has not been reported in the literature in individuals with NEXMIF-related conditions. Loss-of-function variants in NEXMIF are known to be pathogenic (PMID: 23615299). For these reasons, this variant has been classified as Pathogenic.

Literature cited by the submitters: PubMed 23615299.